The following is an entry in ClinVar:

NM_000404.4(GLB1):c.188T>A (p.Phe63Tyr)

Gene: GLB1 (galactosidase beta 1; minus strand). Cytogenetic location: 3p22.3.
Variant type: single nucleotide variant.
Coding change: c.188T>A on transcript NM_000404.4 (MANE Select); coding-DNA position 188, T replaced by A.
Protein change: p.Phe63Tyr; replaces phenylalanine 63 with tyrosine.
Molecular consequence: missense variant.
Genome position (GRCh38, 1-based): chr3:33,072,601, A>T on the plus strand (T>A on the coding strand, the complement: GLB1 is on the minus strand). VCF-style: chr3-33072601-A-T. GRCh37 (hg19) VCF-style: chr3-33114093-A-T.
Other names: c.98T>A, p.Phe33Tyr (NM_001079811.3); c.188T>A, p.Phe63Tyr (NM_001135602.3, NM_001393580.1); c.332T>A, p.Phe111Tyr (NM_001317040.2); short protein forms F63Y, F33Y, F111Y.
Identifiers: ClinVar variation 558551 (VCV000558551.3), dbSNP rs1228819238, ClinGen allele CA351996486.
Genomic context (GRCh38, chr3:33,072,601, plus strand): 5'-TACGTCTGGATGGCGTTCAGCCCAGCCATCTTCATCTTCAGCAGCCGGTCCTTCCAGTAG[A>T]AGCGGGGCACACGGGAGTAGTGAATGCTTCCTGAGATGTAGCGAAATGGCTGGCCATCCT-3'
Protein context (NP_000395.3, residues 53-73): GSIHYSRVPR[Phe63Tyr]YWKDRLLKMK

ClinVar aggregate classification (germline): Uncertain significance. Review status: criteria provided, single submitter (1 of 4 stars). 2 submissions from 2 submitters: Uncertain significance (1). 1 of the submissions does not count toward it. Last evaluated 2025-11-07.

Conditions:
GM1 gangliosidosis type 3. Also called: GANGLIOSIDOSIS, GENERALIZED GM1, ADULT TYPE; GANGLIOSIDOSIS, GENERALIZED GM1, CHRONIC TYPE; GANGLIOSIDOSIS, GENERALIZED GM1, TYPE III; GM1-GANGLIOSIDOSIS, TYPE III; Beta-galactosidase deficiency; Adult GM1 gangliosidosis. Identifiers: Orphanet 79257, MedGen C0268273, MONDO:0009262, OMIM 230650.
GM1 gangliosidosis type 2. Also called: GANGLIOSIDOSIS, GENERALIZED GM1, JUVENILE TYPE; GANGLIOSIDOSIS, GENERALIZED GM1, TYPE II; GM1-GANGLIOSIDOSIS, TYPE II; Juvenile GM>1< gangliosidosis; Gangliosidosis, Generalized GM1, Type 2. Identifiers: Orphanet 354, Orphanet 79256, MedGen C0268272, MONDO:0009261, OMIM 230600.
Infantile GM1 gangliosidosis. Also called: GM1 gangliosidosis type 1; GM1-gangliosidosis, type I; Gangliosidosis, generalized GM1, infantile form; GLB1 deficiency; Gangliosidosis, Generalized GM1, Type 1. Identifiers: Orphanet 354, Orphanet 79255, MedGen C0268271, MONDO:0009260, OMIM 230500.
Mucopolysaccharidosis, MPS-IV-B (MPS4B). Also called: Mucopolysaccharidosis type 4B; Mucopolysaccharidosis Type IVB (Morquio B Disease); MORQUIO SYNDROME B; Mucopolysaccharidosis type IVB (Morquio); MPS IVB; Mucopolysaccharidosis type IV B. Identifiers: Orphanet 309310, Orphanet 582, MedGen C0086652, MONDO:0009660, OMIM 253010.

Allele frequency attached by ClinVar (database versions not stated): TOPMed below 0.00001; gnomAD 0.00001.
gnomAD v4.1: 1 of 1,613,958 alleles (0.000062%); highest among the groups gnomAD compares: Non-Finnish European, 0.000085%; no homozygotes.

Submissions (2):

Women's Health and Genetics/Laboratory Corporation of America, LabCorp
Classification: Uncertain significance. Last evaluated: 2025-11-07. Review status: criteria provided, single submitter. Criteria: LabCorp Variant Classification Summary - May 2015. Collection method: clinical testing. Allele origin: germline.
Comment: Variant summary: GLB1 c.188T>A (p.Phe63Tyr) results in a conservative amino acid change in the encoded protein sequence. Algorithms developed to predict the effect of missense changes on protein structure and function all suggest that this variant is likely to be tolerated. The variant was absent in 249486 control chromosomes (gnomAD). The available data on variant occurrences in the general population are insufficient to allow any conclusion about variant significance. c.188T>A has been observed in one individual affected with GM1 gangliosidosis (Sperb_2013). The report does not provide unequivocal conclusions about association of the variant with Mucopolysaccharidosis Type IVB (Morquio Syndrome B). To our knowledge, no experimental evidence demonstrating an impact on protein function has been reported. The following publication have been ascertained in the context of this evaluation (PMID: 23046582). ClinVar contains an entry for this variant (Variation ID: 558551). Based on the evidence outlined above, the variant was classified as uncertain significance.

Counsyl
Classification: Uncertain significance for Infantile GM1 gangliosidosis; GM1 gangliosidosis type 2; GM1 gangliosidosis type 3; Mucopolysaccharidosis, MPS-IV-B. Last evaluated: 2018-05-30. Review status: no assertion criteria provided. Collection method: clinical testing. Allele origin: unknown. Not counted in ClinVar's aggregate classification.

Literature cited by the submitters: PubMed 23046582 (cited by Women's Health and Genetics/Laboratory Corporation of America, LabCorp and Counsyl).